The following is an entry in ClinVar:

ClinVar aggregate classification (germline): Pathogenic/Likely pathogenic. Review status: criteria provided, multiple submitters, no conflicts (2 of 4 stars). 3 submissions from 3 submitters: Pathogenic (1); Likely pathogenic (1). 1 of the submissions does not count toward it. Last evaluated 2024-06-03.

Conditions:
Neonatal pseudo-hydrocephalic progeroid syndrome. Also called: Wiedemann-Rautenstrauch syndrome. Identifiers: Orphanet 3455, MedGen C0406586, MONDO:0009910, OMIM 264090.

Submissions (3):

GeneDx
Classification: Pathogenic. Last evaluated: 2024-06-03. Review status: criteria provided, single submitter. Criteria: GeneDx Variant Classification Process June 2021. Collection method: clinical testing. Allele origin: germline. Affected: yes.
Comment: Not observed at significant frequency in large population cohorts (gnomAD); Nonsense variant predicted to result in protein truncation or nonsense mediated decay in a gene for which loss of function is a known mechanism of disease; This variant is associated with the following publications: (PMID: 30323018)

Tartaglia Lab, Genetics and Rare Diseases Research Division, Bambino Gesu' Children's Hospital
Classification: Likely pathogenic for Neonatal pseudo-hydrocephalic progeroid syndrome. Last evaluated: 2018-04-01. Review status: criteria provided, single submitter. Criteria: ACMG Guidelines, 2015. Collection method: research. Allele origin: germline. Affected: yes.

OMIM
Classification: Pathogenic for WIEDEMANN-RAUTENSTRAUCH SYNDROME. Last evaluated: 2024-04-02. Review status: no assertion criteria provided. Collection method: literature only. Allele origin: germline. Not counted in ClinVar's aggregate classification.

Literature cited by the submitters: PubMed 30323018 (cited by OMIM).

NM_007055.4(POLR3A):c.2474C>G (p.Ser825Ter)

Gene: POLR3A (RNA polymerase III subunit A; minus strand). Cytogenetic location: 10q22.3.
Variant type: single nucleotide variant.
Coding change: c.2474C>G on transcript NM_007055.4 (MANE Select); coding-DNA position 2474, C replaced by G.
Protein change: p.Ser825Ter; replaces serine 825 with a stop codon.
Molecular consequence: nonsense.
Genome position (GRCh38, 1-based): chr10:78,000,980, G>C on the plus strand (C>G on the coding strand, the complement: POLR3A is on the minus strand). VCF-style: chr10-78000980-G-C. GRCh37 (hg19) VCF-style: chr10-79760738-G-C.
Other names: short protein forms S825*.
Identifiers: ClinVar variation 549561 (VCV000549561.5), dbSNP rs1564617848, ClinGen allele CA377336155.